The following is an entry in ClinVar:

NM_017570.5(OPLAH):c.805C>T (p.Arg269Cys)

Gene: OPLAH (5-oxoprolinase, ATP-hydrolysing; minus strand). Cytogenetic location: 8q24.3.
Variant type: single nucleotide variant.
Coding change: c.805C>T on transcript NM_017570.5 (MANE Select); coding-DNA position 805, C replaced by T.
Protein change: p.Arg269Cys; replaces arginine 269 with cysteine.
Molecular consequence: missense variant.
Genome position (GRCh38, 1-based): chr8:144,058,383, G>A on the plus strand (C>T on the coding strand, the complement: OPLAH is on the minus strand). VCF-style: chr8-144058383-G-A. GRCh37 (hg19) VCF-style: chr8-145113286-G-A.
Other names: short protein forms R269C.
Identifiers: ClinVar variation 776392 (VCV000776392.12), dbSNP rs201078986, ClinGen allele CA4932142.

ClinVar aggregate classification (germline): Benign/Likely benign. Review status: criteria provided, multiple submitters, no conflicts (2 of 4 stars). 4 submissions from 4 submitters: Benign (2); Likely benign (2). Last evaluated 2026-07-01.

Conditions:
OPLAH-related disorder. Also called: OPLAH-related condition.
5-Oxoprolinase deficiency (OPLAHD). Also called: 5-OXOPROLINURIA DUE TO 5-OXOPROLINASE DEFICIENCY. Identifiers: Orphanet 33572, MedGen C0268525, MONDO:0009825, OMIM 260005, HP:0040142.

Allele frequency attached by ClinVar (database versions not stated): 1000 Genomes Project 0.00459; 1000 Genomes Project 30x 0.00531; gnomAD exomes 0.00102; ExAC 0.00158; gnomAD 0.00403 and 0.00434; ESP Exome Variant Server 0.00452; TOPMed 0.00453.
gnomAD v4.1: 1,280 of 1,592,740 alleles (0.08%); highest among the groups gnomAD compares: African/African-American, 1.5%; 12 homozygotes.

Submissions (4):

CeGaT Center for Human Genetics Tuebingen
Classification: Likely benign. Last evaluated: 2026-07-01. Review status: criteria provided, single submitter. Criteria: CeGaT Center For Human Genetics Tuebingen Variant Classification Criteria Version 2. Collection method: clinical testing. Allele origin: germline. Affected: yes. Observed: 1 variant allele.
Comment: OPLAH: BS1

Labcorp Genetics (formerly Invitae), Labcorp
Classification: Benign for 5-Oxoprolinase deficiency. Last evaluated: 2026-01-06. Review status: criteria provided, single submitter. Criteria: Invitae Variant Classification Sherloc (09022015). Collection method: clinical testing. Allele origin: germline.

PreventionGenetics, part of Exact Sciences
Classification: Likely benign for OPLAH-related condition. Last evaluated: 2025-04-01. Review status: criteria provided, single submitter. Criteria: ACMG Guidelines, 2015. Collection method: clinical testing. Allele origin: germline.
Comment: This variant is classified as likely benign based on ACMG/AMP sequence variant interpretation guidelines (Richards et al. 2015 PMID: 25741868, with internal and published modifications).

Breakthrough Genomics
Classification: Benign. Review status: criteria provided, single submitter. Criteria: ACMG Guidelines, 2015. Collection method: not provided. Allele origin: germline. Inheritance: Autosomal recessive inheritance. Affected: yes.